The following is an entry in ClinVar:

NM_001378120.1(MBD5):c.2728C>G (p.Leu910Val)

Gene: MBD5 (methyl-CpG binding domain protein 5; plus strand). Cytogenetic location: 2q23.1.
Variant type: single nucleotide variant.
Coding change: c.2728C>G on transcript NM_001378120.1 (MANE Select); coding-DNA position 2728, C replaced by G.
Protein change: p.Leu910Val; replaces leucine 910 with valine.
Molecular consequence: missense variant.
Genome position (GRCh38, 1-based): chr2:148,483,319, C>G. VCF-style: chr2-148483319-C-G. GRCh37 (hg19) VCF-style: chr2-149240888-C-G.
Other names: c.2728C>G, p.Leu910Val (NM_018328.5); short protein forms L910V.
Identifiers: ClinVar variation 2852031 (VCV002852031.3), dbSNP rs1559094919, ClinGen allele CA348722574.

ClinVar aggregate classification (germline): Uncertain significance (1 of 4 stars; one submission).

Conditions:
Intellectual developmental disorder, autosomal dominant 1. Also called: MBD5 Haploinsufficiency; Intellectual disability, autosomal dominant 1. Identifiers: Orphanet 228402, MedGen C1969562, MONDO:0007974, OMIM 156200.

Submission:

Labcorp Genetics (formerly Invitae), Labcorp
Classification: Uncertain significance for Intellectual developmental disorder, autosomal dominant 1. Last evaluated: 2025-06-12. Review status: criteria provided, single submitter. Criteria: Invitae Variant Classification Sherloc (09022015). Collection method: clinical testing. Allele origin: germline.
Comment: This sequence change replaces leucine, which is neutral and non-polar, with valine, which is neutral and non-polar, at codon 910 of the MBD5 protein (p.Leu910Val). This variant is not present in population databases (gnomAD no frequency). This variant has not been reported in the literature in individuals affected with MBD5-related conditions. ClinVar contains an entry for this variant (Variation ID: 2852031). Invitae Evidence Modeling of protein sequence and biophysical properties (such as structural, functional, and spatial information, amino acid conservation, physicochemical variation, residue mobility, and thermodynamic stability) indicates that this missense variant is not expected to disrupt MBD5 protein function with a negative predictive value of 80%. In summary, the available evidence is currently insufficient to determine the role of this variant in disease. Therefore, it has been classified as a Variant of Uncertain Significance.